The following is an entry in ClinVar:

NM_014000.3(VCL):c.787A>T (p.Thr263Ser)

Gene: VCL (vinculin; plus strand). Cytogenetic location: 10q22.2.
Variant type: single nucleotide variant.
Coding change: c.787A>T on transcript NM_014000.3 (MANE Select); coding-DNA position 787, A replaced by T.
Protein change: p.Thr263Ser; replaces threonine 263 with serine.
Molecular consequence: missense variant.
Genome position (GRCh38, 1-based): chr10:74,082,457, A>T. VCF-style: chr10-74082457-A-T. GRCh37 (hg19) VCF-style: chr10-75842215-A-T.
Other names: c.787A>T, p.Thr263Ser (NM_003373.4); short protein forms T263S.
Identifiers: ClinVar variation 468824 (VCV000468824.14), dbSNP rs142233726, ClinGen allele CA5562861.

ClinVar aggregate classification (germline): Conflicting classifications of pathogenicity. Review status: criteria provided, conflicting classifications (1 of 4 stars). 6 submissions from 6 submitters: Uncertain significance (3); Likely benign (2). 1 of the submissions does not count toward it. Last evaluated 2026-01-28.

Conditions:
Hypertrophic cardiomyopathy 15. Identifiers: MedGen C2750459, MONDO:0013200, OMIM 613255.
Dilated cardiomyopathy 1W (CMD1W). Identifiers: Orphanet 154, MedGen C1969639, MONDO:0012667, OMIM 611407.
Cardiovascular phenotype. Identifiers: MedGen CN230736.

Allele frequency attached by ClinVar (database versions not stated): gnomAD exomes 0.00002 and 0.00005; ExAC 0.00007; TOPMed 0.00018; gnomAD 0.00021 and 0.00022; ESP Exome Variant Server 0.00023; 1000 Genomes Project 0.00060; 1000 Genomes Project 30x 0.00062.
gnomAD v4.1: 58 of 1,614,186 alleles (0.0036%); highest among the groups gnomAD compares: African/African-American, 0.068%; no homozygotes.

Submissions (6):

Labcorp Genetics (formerly Invitae), Labcorp
Classification: Uncertain significance for Dilated cardiomyopathy 1W. Last evaluated: 2026-01-28. Review status: criteria provided, single submitter. Criteria: Invitae Variant Classification Sherloc (09022015). Collection method: clinical testing. Allele origin: germline.
Comment: This sequence change replaces threonine, which is neutral and polar, with serine, which is neutral and polar, at codon 263 of the VCL protein (p.Thr263Ser). This variant is present in population databases (rs142233726, gnomAD 0.07%), and has an allele count higher than expected for a pathogenic variant. This variant has not been reported in the literature in individuals affected with VCL-related conditions. ClinVar contains an entry for this variant (Variation ID: 468824). An algorithm developed to predict the effect of missense changes on protein structure and function (PolyPhen-2) suggests that this variant is likely to be disruptive. In summary, the available evidence is currently insufficient to determine the role of this variant in disease. Therefore, it has been classified as a Variant of Uncertain Significance.

Molecular Diagnostic Laboratory for Inherited Cardiovascular Disease, Montreal Heart Institute
Classification: Likely benign. Last evaluated: 2025-04-09. Review status: criteria provided, single submitter. Criteria: ACMG Guidelines, 2015. Collection method: clinical testing. Allele origin: germline. Affected: no.
Comment: BS1

Fulgent Genetics
Classification: Uncertain significance for Dilated cardiomyopathy 1W; Hypertrophic cardiomyopathy 15. Last evaluated: 2021-10-12. Review status: criteria provided, single submitter. Criteria: ACMG Guidelines, 2015. Collection method: clinical testing. Allele origin: unknown.

GeneDx
Classification: Uncertain significance. Last evaluated: 2020-04-09. Review status: criteria provided, single submitter. Criteria: GeneDx Variant Classification Process June 2021. Collection method: clinical testing. Allele origin: germline. Affected: yes.
Comment: Has not been previously published as pathogenic or benign to our knowledge; Reported in ClinVar as a variant of uncertain significance (ClinVar Variant ID# 468824; Landrum et al., 2016); In silico analysis supports that this missense variant does not alter protein structure/function

Ambry Genetics
Classification: Likely benign for Cardiovascular phenotype. Last evaluated: 2018-12-05. Review status: criteria provided, single submitter. Criteria: Ambry Variant Classification Scheme 2023. Collection method: clinical testing. Allele origin: germline.

Clinical Molecular Genetics Laboratory, Johns Hopkins All Children's Hospital
Classification: Uncertain significance. Last evaluated: 2015-11-04. Review status: no assertion criteria provided. Collection method: clinical testing. Allele origin: germline. Not counted in ClinVar's aggregate classification.